The following is an entry in ClinVar:

NM_002972.4(SBF1):c.4081C>T (p.Leu1361Phe)

Gene: SBF1 (SET binding factor 1; minus strand). Cytogenetic location: 22q13.33.
Variant type: single nucleotide variant.
Coding change: c.4081C>T on transcript NM_002972.4 (MANE Select); coding-DNA position 4081, C replaced by T.
Protein change: p.Leu1361Phe; replaces leucine 1361 with phenylalanine.
Molecular consequence: missense variant.
Genome position (GRCh38, 1-based): chr22:50,456,497, G>A on the plus strand (C>T on the coding strand, the complement: SBF1 is on the minus strand). VCF-style: chr22-50456497-G-A. GRCh37 (hg19) VCF-style: chr22-50894926-G-A.
Other names: c.4006C>T, p.Leu1336Phe (NM_001365819.1); short protein forms L1336F, L1361F.
Identifiers: ClinVar variation 1515791 (VCV001515791.4), dbSNP rs970898613, ClinGen allele CA325528932.
Genomic context (GRCh38, chr22:50,456,497, plus strand): 5'-CCAAGCCCCCTGCCGAGCCCCCACCCTCACCCCCCACCCCCCGCACCCCAGTCACCTTGA[G>A]CTGGGCTTTGTCCCCAAGGATATAGAGGGCTGCTCGCTGCGGACGCAGGAAGCCCGGGTC-3'
Protein context (NP_002963.2, residues 1351-1371): ALYILGDKAQ[Leu1361Phe]KGVRSDPLQQ

ClinVar aggregate classification (germline): Uncertain significance (1 of 4 stars; one submission).

Allele frequency attached by ClinVar (database versions not stated): gnomAD exomes 0.00001.

Submission:

Labcorp Genetics (formerly Invitae), Labcorp
Classification: Uncertain significance. Last evaluated: 2024-01-22. Review status: criteria provided, single submitter. Criteria: Invitae Variant Classification Sherloc (09022015). Collection method: clinical testing. Allele origin: germline.
Comment: This sequence change replaces leucine, which is neutral and non-polar, with phenylalanine, which is neutral and non-polar, at codon 1361 of the SBF1 protein (p.Leu1361Phe). The frequency data for this variant in the population databases is considered unreliable, as metrics indicate poor data quality at this position in the gnomAD database. This variant has not been reported in the literature in individuals affected with SBF1-related conditions. ClinVar contains an entry for this variant (Variation ID: 1515791). Advanced modeling of protein sequence and biophysical properties (such as structural, functional, and spatial information, amino acid conservation, physicochemical variation, residue mobility, and thermodynamic stability) performed at Invitae indicates that this missense variant is expected to disrupt SBF1 protein function with a positive predictive value of 80%. In summary, the available evidence is currently insufficient to determine the role of this variant in disease. Therefore, it has been classified as a Variant of Uncertain Significance.